The following is an entry in ClinVar:

NM_001008537.3(NEXMIF):c.1382G>A (p.Arg461His)

Gene: NEXMIF (neurite extension and migration factor; minus strand). Cytogenetic location: Xq13.3.
Variant type: single nucleotide variant.
Coding change: c.1382G>A on transcript NM_001008537.3 (MANE Select); coding-DNA position 1382, G replaced by A.
Protein change: p.Arg461His; replaces arginine 461 with histidine.
Molecular consequence: missense variant.
Genome position (GRCh38, 1-based): chrX:74,743,175, C>T on the plus strand (G>A on the coding strand, the complement: NEXMIF is on the minus strand). VCF-style: chrX-74743175-C-T. GRCh37 (hg19) VCF-style: chrX-73963010-C-T.
Other names: short protein forms R461H.
Identifiers: ClinVar variation 1800360 (VCV001800360.8), dbSNP rs1366715373, ClinGen allele CA413670630.
Genomic context (GRCh38, chrX:74,743,175, plus strand): 5'-CGCAGCCCATAGTTCTGTTGGGAGGAGGAGCTGCCAGAATTAGTGTCCCGAGCCATATAG[C>T]GACTACAGTCCTTGATCTCACCCATAGCATCATATGAGATCTCAATGAAGGAACTATCAT-3'
Protein context (NP_001008537.1, residues 451-471): DAMGEIKDCS[Arg461His]YMARDTNSGS

ClinVar aggregate classification (germline): Uncertain significance. Review status: criteria provided, multiple submitters, no conflicts (2 of 4 stars). 4 submissions from 4 submitters: Uncertain significance (4). Last evaluated 2025-09-27.

Conditions:
X-linked intellectual disability, Cantagrel type (XLID98). Also called: INTELLECTUAL DEVELOPMENTAL DISORDER, X-LINKED 98. Identifiers: Orphanet 85277, MedGen C3806730, MONDO:0010483, OMIM 300912.

Allele frequency attached by ClinVar (database versions not stated): gnomAD exomes below 0.00001; TOPMed 0.00001.
gnomAD v4.1: 3 of 1,210,524 alleles (0.00025%); highest among the groups gnomAD compares: South Asian, 0.0018%; no homozygotes.

Submissions (4):

Ambry Genetics
Classification: Uncertain significance. Last evaluated: 2025-09-27. Review status: criteria provided, single submitter. Criteria: Ambry Variant Classification Scheme 2023. Collection method: clinical testing. Allele origin: germline.

Labcorp Genetics (formerly Invitae), Labcorp
Classification: Uncertain significance. Last evaluated: 2023-09-24. Review status: criteria provided, single submitter. Criteria: Invitae Variant Classification Sherloc (09022015). Collection method: clinical testing. Allele origin: germline.
Comment: In summary, the available evidence is currently insufficient to determine the role of this variant in disease. Therefore, it has been classified as a Variant of Uncertain Significance. Algorithms developed to predict the effect of missense changes on protein structure and function output the following: SIFT: "Not Available"; PolyPhen-2: "Benign"; Align-GVGD: "Not Available". The histidine amino acid residue is found in multiple mammalian species, which suggests that this missense change does not adversely affect protein function. ClinVar contains an entry for this variant (Variation ID: 1800360). This variant has not been reported in the literature in individuals affected with NEXMIF-related conditions. This variant is not present in population databases (gnomAD no frequency). This sequence change replaces arginine, which is basic and polar, with histidine, which is basic and polar, at codon 461 of the NEXMIF protein (p.Arg461His).

Neuberg Centre For Genomic Medicine, NCGM
Classification: Uncertain significance for X-linked intellectual disability, Cantagrel type. Last evaluated: 2023-06-22. Review status: criteria provided, single submitter. Criteria: ACMG Guidelines, 2015. Collection method: clinical testing. Allele origin: germline. Inheritance: X-linked dominant inheritance. Affected: yes.
Comment: The observed missense variant c.1382G>A(p.Arg461His) in NEXMIF gene has not been reported previously as a pathogenic variant nor as a benign variant, to our knowledge. This variant is absent in gnomAD Exomes. The amino acid Arginine at position 461 is changed to a Histidine changing protein sequence and it might alter its composition and physico-chemical properties. Computational evidence (Polyphen - Benign, SIFT - Tolerated, and MutationTaster - Disease causing) predicts conflicting evidence on protein structure and function for this variant. The amino acid change p.Arg461His in NEXMIF is predicted as conserved by GERP++ and PhyloP across 100 vertebrates. For these reasons, this variant has been classified as uncertain significance

Victorian Clinical Genetics Services, Murdoch Childrens Research Institute
Classification: Uncertain significance for X-linked intellectual disability, Cantagrel type. Last evaluated: 2020-10-19. Review status: criteria provided, single submitter. Criteria: ACMG Guidelines, 2015. Collection method: clinical testing. Allele origin: germline. Inheritance: X-linked dominant inheritance. Affected: yes.
Comment: Based on the classification scheme VCGS_Germline_v1.3.3, this variant is classified as VUS - 3C. Following criteria are met: 0102 - Loss of function is a known mechanism of disease in this gene and is associated with NEXMIF-related intellectual disability. (I) 0110 - This gene is associated with X-linked dominant disease. (I) 0200 - Variant is predicted to result in a missense amino acid change from arginine to histidine. (I) 0253 - This variant is hemizygous. (I) 0301 - Variant is absent from gnomAD (both v2 and v3). (SP) 0309 - An alternative amino acid change at the same position has been observed in gnomAD (v2) (1 heterozygote, 0 homozygotes, 0 hemizygotes). (I) 0503 - Missense variant consistently predicted to be tolerated by multiple in silico tools or not conserved in placental mammals with a minor amino acid change. (SB) 0604 - Variant is not located in an established domain, motif, hotspot or informative constraint region. (I) 0705 - No comparable missense variants have previous evidence for pathogenicity. (I) 0807 - This variant has no previous evidence of pathogenicity. (I) 0905 - No published segregation evidence has been identified for this variant. (I) 1007 - No published functional evidence has been identified for this variant. (I) Legend: (SP) - Supporting pathogenic, (I) - Information, (SB) - Supporting benign